The following is an entry in ClinVar:

ClinVar aggregate classification (germline): Benign/Likely benign. Review status: criteria provided, multiple submitters, no conflicts (2 of 4 stars). 11 submissions from 11 submitters: Benign (7); Likely benign (3). 1 of the submissions does not count toward it. Last evaluated 2026-09-01.

Conditions:
Deficiency of alpha-mannosidase (MANSA). Also called: Alpha-Mannosidosis; LYSOSOMAL ALPHA-D-MANNOSIDASE DEFICIENCY; Mannosidosis, alpha-, types I and II. Identifiers: Orphanet 61, MedGen C0024748, MONDO:0009561, OMIM 248500.

Allele frequency attached by ClinVar (database versions not stated): ESP Exome Variant Server 0.00062; gnomAD 0.00451 and 0.00510; TOPMed 0.00664; ExAC 0.00767; 1000 Genomes Project 0.01498; 1000 Genomes Project 30x 0.01593.
gnomAD v4.1: 4,561 of 1,614,086 alleles (0.28%); highest among the groups gnomAD compares: Admixed American, 3.8%; 85 homozygotes.

Submissions (11):

CeGaT Center for Human Genetics Tuebingen
Classification: Likely benign. Last evaluated: 2026-09-01. Review status: criteria provided, single submitter. Criteria: CeGaT Center For Human Genetics Tuebingen Variant Classification Criteria Version 2. Collection method: clinical testing. Allele origin: germline. Affected: yes. Observed: 9 variant alleles.
Comment: MAN2B1: BP4

Labcorp Genetics (formerly Invitae), Labcorp
Classification: Benign for Deficiency of alpha-mannosidase. Last evaluated: 2026-02-04. Review status: criteria provided, single submitter. Criteria: Invitae Variant Classification Sherloc (09022015). Collection method: clinical testing. Allele origin: germline.

GeneDx
Classification: Likely benign. Last evaluated: 2022-06-08. Review status: criteria provided, single submitter. Criteria: GeneDx Variant Classification Process June 2021. Collection method: clinical testing. Allele origin: germline. Affected: yes.
Comment: See Variant Classification Assertion Criteria.

Fulgent Genetics
Classification: Benign for Deficiency of alpha-mannosidase. Last evaluated: 2021-07-07. Review status: criteria provided, single submitter. Criteria: ACMG Guidelines, 2015. Collection method: clinical testing. Allele origin: unknown.

Illumina Laboratory Services, Illumina
Classification: Benign for Deficiency of alpha-mannosidase. Last evaluated: 2018-01-13. Review status: criteria provided, single submitter. Criteria: ICSL Variant Classification Criteria 13 December 2019. Collection method: clinical testing. Allele origin: germline.
Comment: This variant was observed in the ICSL laboratory as part of a predisposition screen in an ostensibly healthy population. It had not been previously curated by ICSL or reported in the Human Gene Mutation Database (HGMD: prior to June 1st, 2018), and was therefore a candidate for classification through an automated scoring system. Utilizing variant allele frequency, disease prevalence and penetrance estimates, and inheritance mode, an automated score was calculated to assess if this variant is too frequent to cause the disease. Based on the score and internal cut-off values, a variant classified as benign is not then subjected to further curation. The score for this variant resulted in a classification of benign for this disease.

Women's Health and Genetics/Laboratory Corporation of America, LabCorp
Classification: Benign. Last evaluated: 2017-11-08. Review status: criteria provided, single submitter. Criteria: LabCorp Variant Classification Summary - May 2015. Collection method: clinical testing. Allele origin: germline.
Comment: Variant summary: The MAN2B1 c.2006C>T (p.Pro669Leu) variant involves the alteration of a conserved nucleotide and 3/4 in silico tools predict a damaging outcome for this variant (SNPsandGO not captured due to low reliability index). This variant was found in 2336/277222 (34 homozygotes) control chromosomes (gnomAD) at a frequency of 0.0084265, which is approximately 5 times the estimated maximal expected allele frequency of a pathogenic MAN2B1 variant (0.0015811), suggesting this variant is likely a benign polymorphism. Functional study showed variant with comparable level of activity as wild type (Stensland_015). In addition, multiple clinical diagnostic laboratories/reputable databases classified this variant as "likely benign/benign." Taken together, this variant is classified as benign.

Eurofins Ntd Llc (ga)
Classification: Benign. Last evaluated: 2016-04-18. Review status: criteria provided, single submitter. Criteria: EGL Classification Definitions 2015. Collection method: clinical testing. Allele origin: germline. Observed: 4 variant alleles, 3 heterozygotes, 1 homozygote.

Genomic Diagnostic Laboratory, Division of Genomic Diagnostics, Children's Hospital of Philadelphia
Classification: Benign. Last evaluated: 2015-02-05. Review status: criteria provided, single submitter. Criteria: DGD Variant Analysis Guidelines. Collection method: clinical testing. Allele origin: unknown.

Center for Pediatric Genomic Medicine, Children's Mercy Hospital and Clinics
Classification: Benign. Last evaluated: 2014-12-09. Review status: criteria provided, single submitter. Criteria: ACMG Guidelines, 2015. Collection method: clinical testing. Allele origin: germline.

Breakthrough Genomics
Classification: Likely benign. Review status: criteria provided, single submitter. Criteria: ACMG Guidelines, 2015. Collection method: not provided. Allele origin: germline. Inheritance: Autosomal recessive inheritance. Affected: yes.

Mayo Clinic Laboratories, Mayo Clinic
Classification: Benign. Last evaluated: 2015-12-16. Review status: no assertion criteria provided. Collection method: clinical testing. Allele origin: unknown. Not counted in ClinVar's aggregate classification.

Literature cited by the submitters: PubMed 22161967 (cited by Women's Health and Genetics/Laboratory Corporation of America, LabCorp); PubMed 25762455 (cited by Women's Health and Genetics/Laboratory Corporation of America, LabCorp); PubMed 21505070 (cited by Women's Health and Genetics/Laboratory Corporation of America, LabCorp).

NM_000528.4(MAN2B1):c.2006C>T (p.Pro669Leu)

Gene: MAN2B1 (mannosidase alpha class 2B member 1; minus strand). Cytogenetic location: 19p13.13.
Variant type: single nucleotide variant.
Coding change: c.2006C>T on transcript NM_000528.4 (MANE Select); coding-DNA position 2006, C replaced by T.
Protein change: p.Pro669Leu; replaces proline 669 with leucine.
Molecular consequence: missense variant.
Genome position (GRCh38, 1-based): chr19:12,652,193, G>A on the plus strand (C>T on the coding strand, the complement: MAN2B1 is on the minus strand). VCF-style: chr19-12652193-G-A. GRCh37 (hg19) VCF-style: chr19-12763007-G-A.
Other names: c.2003C>T, p.Pro668Leu (NM_001173498.2); short protein forms P669L, P668L.
Identifiers: ClinVar variation 218459 (VCV000218459.34), dbSNP rs75029862, ClinGen allele CA249204.